The following is an entry in ClinVar:

ClinVar aggregate classification (germline): Pathogenic (1 of 4 stars; one submission).

Conditions:
Camptomelic dysplasia (CMPD). Also called: CMPD1/SRA1; Campomelic Dysplasia. Identifiers: Orphanet 140, MedGen C1861922, MONDO:0007251, OMIM 114290.

Submission:

Labcorp Genetics (formerly Invitae), Labcorp
Classification: Pathogenic for Camptomelic dysplasia. Last evaluated: 2022-06-18. Review status: criteria provided, single submitter. Criteria: Invitae Variant Classification Sherloc (09022015). Collection method: clinical testing. Allele origin: germline.
Comment: Algorithms developed to predict the effect of sequence changes on RNA splicing suggest that this variant may disrupt the consensus splice site. This variant disrupts a region of the SOX9 protein in which other variant(s) (p.Arg394*) have been determined to be pathogenic (PMID: 9002675, 21614988, 27899157, 31389106; Invitae). This suggests that this is a clinically significant region of the protein, and that variants that disrupt it are likely to be disease-causing. For these reasons, this variant has been classified as Pathogenic. This variant has not been reported in the literature in individuals affected with SOX9-related conditions. This sequence change creates a premature translational stop signal (p.Leu145Glufs*101) in the SOX9 gene. While this is not anticipated to result in nonsense mediated decay, it is expected to disrupt the last 365 amino acid(s) of the SOX9 protein. This variant is not present in population databases (gnomAD no frequency).

Literature cited by the submitters: PubMed 9002675; PubMed 21614988; PubMed 27899157; PubMed 31389106.

NC_000017.11:g.72122720_72122736del

Gene: SOX9 (SRY-box transcription factor 9; plus strand). Cytogenetic location: 17q24.3.
Variant type: Deletion.
Genome position: GRCh38 VCF-style: chr17-72122717-AGACTTCTGAACGAGAGC-A. GRCh37 (hg19) VCF-style: chr17-70118858-AGACTTCTGAACGAGAGC-A.
Identifiers: ClinVar variation 2008010 (VCV002008010.4), dbSNP rs2509624417, ClinGen allele CA2580095136.